The following is an entry in ClinVar:

ClinVar aggregate classification (germline): Uncertain significance (1 of 4 stars; one submission).

Conditions:
Dystonia 12 (DYT12). Also called: DYT-ATP1A3; Rapid-Onset Dystonia-Parkinsonism (RDP). Identifiers: Orphanet 71517, MedGen C1868681, MONDO:0007496, OMIM 128235.

Allele frequency attached by ClinVar (database versions not stated): gnomAD exomes below 0.00001.

Submission:

Labcorp Genetics (formerly Invitae), Labcorp
Classification: Uncertain significance for Dystonia 12. Last evaluated: 2023-04-11. Review status: criteria provided, single submitter. Criteria: Invitae Variant Classification Sherloc (09022015). Collection method: clinical testing. Allele origin: germline.
Comment: In summary, the available evidence is currently insufficient to determine the role of this variant in disease. Therefore, it has been classified as a Variant of Uncertain Significance. Algorithms developed to predict the effect of sequence changes on RNA splicing suggest that this variant may create or strengthen a splice site. Advanced modeling of protein sequence and biophysical properties (such as structural, functional, and spatial information, amino acid conservation, physicochemical variation, residue mobility, and thermodynamic stability) performed at Invitae indicates that this missense variant is expected to disrupt ATP1A3 protein function. ClinVar contains an entry for this variant (Variation ID: 1000436). This variant has not been reported in the literature in individuals affected with ATP1A3-related conditions. This variant is present in population databases (no rsID available, gnomAD 0.003%). This sequence change replaces arginine, which is basic and polar, with cysteine, which is neutral and slightly polar, at codon 541 of the ATP1A3 protein (p.Arg541Cys).

NM_152296.5(ATP1A3):c.1621C>T (p.Arg541Cys)

Gene: ATP1A3 (ATPase Na+/K+ transporting subunit alpha 3; minus strand). Cytogenetic location: 19q13.2.
Variant type: single nucleotide variant.
Coding change: c.1621C>T on transcript NM_152296.5 (MANE Select); coding-DNA position 1621, C replaced by T.
Protein change: p.Arg541Cys; replaces arginine 541 with cysteine.
Molecular consequence: missense variant.
Genome position (GRCh38, 1-based): chr19:41,978,615, G>A on the plus strand (C>T on the coding strand, the complement: ATP1A3 is on the minus strand). VCF-style: chr19-41978615-G-A. GRCh37 (hg19) VCF-style: chr19-42482767-G-A.
Other names: c.1654C>T, p.Arg552Cys (NM_001256213.2); c.1660C>T, p.Arg554Cys (NM_001256214.2); short protein forms R541C, R552C, R554C.
Identifiers: ClinVar variation 1000436 (VCV001000436.8), dbSNP rs1555862292, ClinGen allele CA406046368.
Genomic context (GRCh38, chr19:41,978,615, plus strand): 5'-CAACCCTCCTTGCCCTCCAGGGACCCCAGAGCCCGCCCGGCAGCCTCGCACCAAGCACGC[G>A]CTCGCCCAGGCCACCGAGCTCAAGGTAGGCATTCTGGAAGGCCTCCTTCATTTCCTCGTC-3'
Protein context (NP_689509.1, residues 531-551): AYLELGGLGE[Arg541Cys]VLGFCHYYLP